The following is an entry in ClinVar:

NM_001267550.2(TTN):c.90087_90088del (p.Glu30029fs)

Genes: TTN (titin; minus strand), TTN-AS1 (TTN antisense RNA 1; plus strand). Cytogenetic location: 2q31.2.
Variant type: Deletion.
Coding change: c.90087_90088del on transcript NM_001267550.2 (MANE Select); coding-DNA positions 90087 to 90088, 2 bases deleted (AG; older notation c.90087_90088delAG).
Protein change: p.Glu30029fs; shifts the reading frame from glutamic acid 30029.
Molecular consequence: frameshift variant.
Genome position (GRCh38, 1-based): chr2:178,552,812-178,552,813, CT deleted on the plus strand (AG on the coding strand, the reverse complement: TTN is on the minus strand). VCF-style (leftmost placement, unchanged base first): chr2-178552811-ACT-A. GRCh37 (hg19) VCF-style: chr2-179417538-ACT-A.
Other names: c.85164_85165del, p.Glu28388fs (NM_001256850.1); c.62892_62893del, p.Glu20964fs (NM_003319.4); c.82383_82384del, p.Glu27461fs (NM_133378.4); c.63267_63268del, p.Glu21089fs (NM_133432.3); c.63468_63469del, p.Glu21156fs (NM_133437.4); c.90087_90088del (LRG_391t1); short protein forms E20964fs, E21089fs, E27461fs, E28388fs, E30029fs, E21156fs.
Identifiers: ClinVar variation 223299 (VCV000223299.1), dbSNP rs869312064, ClinGen allele CA353179.

ClinVar aggregate classification (germline): Likely pathogenic (1 of 4 stars; one submission).

Conditions:
Primary dilated cardiomyopathy (DCM). Also called: Dilated Cardiomyopathy. Identifiers: Orphanet 217604, MedGen C0007193, MeSH D002311, MONDO:0005021, HP:0001644. Inheritance: Various modes of inheritance.

Submission:

Cardiovascular Biomedical Research Unit, Royal Brompton & Harefield NHS Foundation Trust
Classification: Likely pathogenic for Primary dilated cardiomyopathy. Last evaluated: 2014-10-08. Review status: criteria provided, single submitter. Criteria: Roberts et al. 2015. Collection method: research. Allele origin: germline. Inheritance: Autosomal dominant inheritance. Affected: yes. Observed: 1 variant allele. Study: Unselected DCM.
Comment: In the seven cohorts assessed, TTNtv were found in 14% of ambulant DCM, 22% end-stage or familial DCM, and 2% controls. Heterozygous nonsense, frameshift and canonical splice-disrupting variants found in constitutive and other highly utilised exons are highly likely to be pathogenic when identified in individuals with phenotypically confirmed DCM. TTNtv found incidentally in healthy individuals (excluding familial assessment of DCM relatives) are thought to have low penetrance, particularly when identified in exons that are not constitutively expressed in the heart.